The following is an entry in ClinVar:

ClinVar aggregate classification (germline): Uncertain significance (1 of 4 stars; one submission).

gnomAD v4.1: 2 of 1,551,462 alleles (0.00013%); highest among the groups gnomAD compares: Non-Finnish European, 0.00017%; no homozygotes.

Submission:

GeneDx
Classification: Uncertain significance. Last evaluated: 2024-12-17. Review status: criteria provided, single submitter. Criteria: GeneDx Variant Classification Process June 2021. Collection method: clinical testing. Allele origin: germline. Affected: yes.
Comment: Not observed at significant frequency in large population cohorts (gnomAD); In silico analysis indicates that this missense variant does not alter protein structure/function; Has not been previously published as pathogenic or benign to our knowledge

NM_001162501.2(TNRC6B):c.3473T>A (p.Phe1158Tyr)

Gene: TNRC6B (trinucleotide repeat containing adaptor 6B; plus strand). Cytogenetic location: 22q13.1.
Variant type: single nucleotide variant.
Coding change: c.3473T>A on transcript NM_001162501.2 (MANE Select); coding-DNA position 3473, T replaced by A.
Protein change: p.Phe1158Tyr; replaces phenylalanine 1158 with tyrosine.
Molecular consequence: missense variant. On other transcripts: intron variant (2).
Genome position (GRCh38, 1-based): chr22:40,281,180, T>A. VCF-style: chr22-40281180-T-A. GRCh37 (hg19) VCF-style: chr22-40677184-T-A.
Other names: c.1170+1037T>A (NM_001024843.2); c.3252+1037T>A (NM_015088.3); short protein forms F1158Y.
Identifiers: ClinVar variation 3906701 (VCV003906701.1).
Genomic context (GRCh38, chr22:40,281,180, plus strand): 5'-TGACTTTGCCTTTCTCCAATCAAGATGGGTGCCTTGGGGATGAGGCTCCCTGCTCTCCCT[T>A]CTCCCCTTCTCCCAGCTACAAGCTGTCTCCCTCTGGTTCCACACTACCCAACGTCAGCCT-3'
Protein context (NP_001155973.1, residues 1148-1168): CLGDEAPCSP[Phe1158Tyr]SPSPSYKLSP